The following is an entry in ClinVar:

ClinVar aggregate classification (germline): Uncertain significance (1 of 4 stars; one submission).

gnomAD v4.1: 2 of 1,613,788 alleles (0.00012%); highest among the groups gnomAD compares: African/African-American, 0.0027%; no homozygotes.

Submission:

Labcorp Genetics (formerly Invitae), Labcorp
Classification: Uncertain significance. Last evaluated: 2025-09-27. Review status: criteria provided, single submitter. Criteria: Invitae Variant Classification Sherloc (09022015). Collection method: clinical testing. Allele origin: germline.
Comment: This sequence change replaces alanine, which is neutral and non-polar, with threonine, which is neutral and polar, at codon 264 of the KLF10 protein (p.Ala264Thr). This variant is present in population databases (no rsID available, gnomAD 0.01%). This variant has not been reported in the literature in individuals affected with KLF10-related conditions. ClinVar contains an entry for this variant (Variation ID: 3658474). An algorithm developed to predict the effect of missense changes on protein structure and function outputs the following: PolyPhen-2: "Benign". The threonine amino acid residue is found in multiple mammalian species, which suggests that this missense change does not adversely affect protein function. In summary, the available evidence is currently insufficient to determine the role of this variant in disease. Therefore, it has been classified as a Variant of Uncertain Significance.

NM_005655.4(KLF10):c.790G>A (p.Ala264Thr)

Gene: KLF10 (KLF transcription factor 10; minus strand). Cytogenetic location: 8q22.3.
Variant type: single nucleotide variant.
Coding change: c.790G>A on transcript NM_005655.4 (MANE Select); coding-DNA position 790, G replaced by A.
Protein change: p.Ala264Thr; replaces alanine 264 with threonine.
Molecular consequence: missense variant.
Genome position (GRCh38, 1-based): chr8:102,651,542, C>T on the plus strand (G>A on the coding strand, the complement: KLF10 is on the minus strand). VCF-style: chr8-102651542-C-T. GRCh37 (hg19) VCF-style: chr8-103663770-C-T.
Other names: c.757G>A, p.Ala253Thr (NM_001032282.4); short protein forms A253T, A264T.
Identifiers: ClinVar variation 3658474 (VCV003658474.2).
Genomic context (GRCh38, chr8:102,651,542, plus strand): 5'-GGTTGTTGGCAGGAAGGGGAACCATCTGGCAGATGACCGGCATAGGTGGCACTCCCCCTG[C>T]AGATACTGCAGGTGGAGAGACCAACACTGACTTCTGTTGTGGGGACACAGGGGCTGGCTG-3'
Protein context (NP_005646.1, residues 254-274): SVLVSPPAVS[Ala264Thr]GGVPPMPVIC